The following is an entry in ClinVar:

NM_001110556.2(FLNA):c.497_501dup (p.Pro168fs)

Gene: FLNA (filamin A; minus strand). Cytogenetic location: Xq28.
Variant type: Duplication.
Coding change: c.497_501dup on transcript NM_001110556.2 (MANE Select); coding-DNA positions 497 to 501, 5 bases duplicated (AGACC; older notation c.497_501dupAGACC).
Protein change: p.Pro168fs; shifts the reading frame from proline 168.
Molecular consequence: frameshift variant.
Genome position (GRCh38, 1-based): chrX:154,367,963-154,367,967, GGTCT duplicated on the plus strand (AGACC on the coding strand, the reverse complement: FLNA is on the minus strand); duplicating any 5 consecutive bases within chrX:154,367,963-154,367,968 gives the same sequence; the c. name uses the placement nearest the transcript's 3' end. VCF-style (leftmost placement, unchanged base first): chrX-154367962-G-GGGTCT. GRCh37 (hg19) VCF-style: chrX-153596330-G-GGGTCT.
Other names: c.497_501dup, p.Pro168fs (NM_001456.4); short protein forms P168fs.
Identifiers: ClinVar variation 4784700 (VCV004784700.1).

ClinVar aggregate classification (germline): Pathogenic (1 of 4 stars; one submission).

Conditions:
Heterotopia, periventricular, X-linked dominant (PVNH1). Also called: PERIVENTRICULAR NODULAR HETEROTOPIA 4; HETEROTOPIA, PERIVENTRICULAR, 1; PERIVENTRICULAR NODULAR HETEROTOPIA 1; X-linked periventricular heterotopia. Identifiers: Orphanet 2149, Orphanet 82004, MedGen C1848213, MONDO:0010233, OMIM 300049.
Oto-palato-digital syndrome, type II (OPD2). Also called: Otopalatodigital Syndrome, Type II; FACIOPALATOOSSEOUS SYNDROME; OPD II SYNDROME; Otopalatodigital Syndrome Type 2 (FLNA-OPD2). Identifiers: Orphanet 669, Orphanet 90652, MedGen C1844696, MONDO:0010571, OMIM 304120.
Melnick-Needles syndrome (MNS). Also called: MELNICK-NEEDLES OSTEODYSPLASTY; OSTEODYSPLASTY OF MELNICK AND NEEDLES; Melnick-Needles Syndrome (FLNA-MNS). Identifiers: Orphanet 2484, MedGen C0025237, MONDO:0010650, OMIM 309350.
Frontometaphyseal dysplasia (FMD1). Identifiers: Orphanet 1826, MedGen C0265293, MONDO:0015942.

Submission:

Labcorp Genetics (formerly Invitae), Labcorp
Classification: Pathogenic for Oto-palato-digital syndrome, type II; Heterotopia, periventricular, X-linked dominant; Frontometaphyseal dysplasia; Melnick-Needles syndrome. Last evaluated: 2025-04-13. Review status: criteria provided, single submitter. Criteria: Invitae Variant Classification Sherloc (09022015). Collection method: clinical testing. Allele origin: germline.
Comment: This sequence change creates a premature translational stop signal (p.Pro168Argfs*76) in the FLNA gene. It is expected to result in an absent or disrupted protein product. Loss-of-function variants in FLNA are known to be pathogenic (PMID: 16684786, 20730588, 26471271). This variant is not present in population databases (gnomAD no frequency). This variant has not been reported in the literature in individuals affected with FLNA-related conditions. For these reasons, this variant has been classified as Pathogenic.

Literature cited by the submitters: PubMed 16684786; PubMed 20730588; PubMed 26471271.